The following is an entry in ClinVar:

ClinVar aggregate classification (germline): Uncertain significance (1 of 4 stars; one submission).

Allele frequency attached by ClinVar (database versions not stated): TOPMed below 0.00001; gnomAD 0.00001.
gnomAD v4.1: 1 of 1,613,418 alleles (0.000062%); highest among the groups gnomAD compares: Non-Finnish European, 0.000085%; no homozygotes.

Submission:

Labcorp Genetics (formerly Invitae), Labcorp
Classification: Uncertain significance. Last evaluated: 2025-03-23. Review status: criteria provided, single submitter. Criteria: Invitae Variant Classification Sherloc (09022015). Collection method: clinical testing. Allele origin: germline.
Comment: This sequence change replaces alanine, which is neutral and non-polar, with serine, which is neutral and polar, at codon 420 of the MYLK3 protein (p.Ala420Ser). This variant is not present in population databases (gnomAD no frequency). This variant has not been reported in the literature in individuals affected with MYLK3-related conditions. ClinVar contains an entry for this variant (Variation ID: 1487935). An algorithm developed to predict the effect of missense changes on protein structure and function outputs the following: PolyPhen-2: "Benign". The serine amino acid residue is found in multiple mammalian species, which suggests that this missense change does not adversely affect protein function. In summary, the available evidence is currently insufficient to determine the role of this variant in disease. Therefore, it has been classified as a Variant of Uncertain Significance.

NM_182493.3(MYLK3):c.1258G>T (p.Ala420Ser)

Gene: MYLK3 (myosin light chain kinase 3; minus strand). Cytogenetic location: 16q11.2.
Variant type: single nucleotide variant.
Coding change: c.1258G>T on transcript NM_182493.3 (MANE Select); coding-DNA position 1258, G replaced by T.
Protein change: p.Ala420Ser; replaces alanine 420 with serine.
Molecular consequence: missense variant.
Genome position (GRCh38, 1-based): chr16:46,732,412, C>A on the plus strand (G>T on the coding strand, the complement: MYLK3 is on the minus strand). VCF-style: chr16-46732412-C-A. GRCh37 (hg19) VCF-style: chr16-46766324-C-A.
Other names: c.235G>T, p.Ala79Ser (NM_001308301.1); short protein forms A79S, A420S.
Identifiers: ClinVar variation 1487935 (VCV001487935.8), dbSNP rs1353123562, ClinGen allele CA395792464.